The following is an entry in ClinVar:

ClinVar aggregate classification (germline): Uncertain significance (1 of 4 stars; one submission).

Conditions:
RASopathy. Also called: rasopathies; Noonan spectrum disorder. Identifiers: Orphanet 536391, MedGen C5555857, MONDO:0021060.

Submission:

Labcorp Genetics (formerly Invitae), Labcorp
Classification: Uncertain significance for RASopathy. Last evaluated: 2016-04-24. Review status: criteria provided, single submitter. Criteria: Invitae Variant Classification Sherloc (09022015). Collection method: clinical testing. Allele origin: germline.
Comment: In summary, this variant is a novel missense change with uncertain impact on protein function. It has been classified as a Variant of Uncertain Significance. Algorithms developed to predict the effect of missense changes on protein structure and function do not agree on the potential impact of this missense change (SIFT: "Tolerated"; PolyPhen-2: "Possibly Damaging"; Align-GVGD: "Class C0"). This variant is not present in population databases (ExAC no frequency) and has not been reported in the literature in individuals with a PTPN11-related disease. This sequence change replaces proline with serine at codon 559 of the PTPN11 protein (p.Pro559Ser). The proline residue is highly conserved and there is a moderate physicochemical difference between proline and serine.

NM_002834.5(PTPN11):c.1675C>T (p.Pro559Ser)

Gene: PTPN11 (protein tyrosine phosphatase non-receptor type 11; plus strand). Cytogenetic location: 12q24.13.
Variant type: single nucleotide variant.
Coding change: c.1675C>T on transcript NM_002834.5 (MANE Select); coding-DNA position 1675, C replaced by T.
Protein change: p.Pro559Ser; replaces proline 559 with serine.
Molecular consequence: missense variant.
Genome position (GRCh38, 1-based): chr12:112,502,219, C>T. VCF-style: chr12-112502219-C-T. GRCh37 (hg19) VCF-style: chr12-112940023-C-T.
Other names: c.1687C>T, p.Pro563Ser (NM_001330437.2); c.1672C>T, p.Pro558Ser (NM_001374625.1); short protein forms P559S, P563S, P558S.
Identifiers: ClinVar variation 409672 (VCV000409672.8), dbSNP rs1060502526, ClinGen allele CA16613492.